The following is an entry in ClinVar:

NM_015040.4(PIKFYVE):c.*2173C>T

Gene: PIKFYVE (phosphoinositide kinase, FYVE-type zinc finger containing; plus strand). Cytogenetic location: 2q34.
Variant type: single nucleotide variant.
Coding change: c.*2173C>T on transcript NM_015040.4 (MANE Select); 2173 bases downstream of the stop codon, C replaced by T.
Molecular consequence: 3 prime UTR variant.
Genome position (GRCh38, 1-based): chr2:208,357,478, C>T. VCF-style: chr2-208357478-C-T. GRCh37 (hg19) VCF-style: chr2-209222202-C-T.
Identifiers: ClinVar variation 333967 (VCV000333967.6), dbSNP rs11538998, ClinGen allele CA10613880.

ClinVar aggregate classification (germline): Benign. Review status: criteria provided, multiple submitters, no conflicts (2 of 4 stars). 2 submissions from 2 submitters: Benign (2). Last evaluated 2018-01-13.

Conditions:
Fleck corneal dystrophy (CFD). Also called: CORNEAL DYSTROPHY, FRANCOIS-NEETENS SPECKLED OR FLECKED. Identifiers: Orphanet 98970, MedGen C1562113, MONDO:0007376, OMIM 121850.

Allele frequency attached by ClinVar (database versions not stated): 1000 Genomes Project 0.07089; 1000 Genomes Project 30x 0.07292; TOPMed 0.09777; gnomAD 0.09896 and 0.09994.

Submissions (2):

Illumina Laboratory Services, Illumina
Classification: Benign for Fleck corneal dystrophy. Last evaluated: 2018-01-13. Review status: criteria provided, single submitter. Criteria: ICSL Variant Classification Criteria 13 December 2019. Collection method: clinical testing. Allele origin: germline.
Comment: This variant was observed in the ICSL laboratory as part of a predisposition screen in an ostensibly healthy population. It had not been previously curated by ICSL or reported in the Human Gene Mutation Database (HGMD: prior to June 1st, 2018), and was therefore a candidate for classification through an automated scoring system. Utilizing variant allele frequency, disease prevalence and penetrance estimates, and inheritance mode, an automated score was calculated to assess if this variant is too frequent to cause the disease. Based on the score and internal cut-off values, a variant classified as benign is not then subjected to further curation. The score for this variant resulted in a classification of benign for this disease.

Breakthrough Genomics
Classification: Benign. Review status: criteria provided, single submitter. Criteria: ACMG Guidelines, 2015. Collection method: not provided. Allele origin: germline. Inheritance: Autosomal dominant inheritance. Affected: yes.